The following is an entry in ClinVar:

NM_001370466.1(NOD2):c.2572G>C (p.Ala858Pro)

Gene: NOD2 (nucleotide binding oligomerization domain containing 2; plus strand). Cytogenetic location: 16q12.1.
Variant type: single nucleotide variant.
Coding change: c.2572G>C on transcript NM_001370466.1 (MANE Select); coding-DNA position 2572, G replaced by C.
Protein change: p.Ala858Pro; replaces alanine 858 with proline.
Molecular consequence: missense variant. On other transcripts: non-coding transcript variant (1).
Genome position (GRCh38, 1-based): chr16:50,719,947, G>C. VCF-style: chr16-50719947-G-C. GRCh37 (hg19) VCF-style: chr16-50753858-G-C.
Other names: c.2572G>C, p.Ala858Pro (NM_001293557.2); c.2653G>C, p.Ala885Pro (NM_022162.3); short protein forms A858P, A885P.
Identifiers: ClinVar variation 1694110 (VCV001694110.9), dbSNP rs759456303, ClinGen allele CA8051911.

ClinVar aggregate classification (germline): Conflicting classifications of pathogenicity. Review status: criteria provided, conflicting classifications (1 of 4 stars). 3 submissions from 3 submitters: Uncertain significance (2); Likely benign (1). Last evaluated 2026-03-06.

Conditions:
NOD2-related disorder. Also called: NOD2-related condition.
Blau syndrome (BLAUS). Also called: ARTHROCUTANEOUVEAL GRANULOMATOSIS; GRANULOMATOSIS, FAMILIAL JUVENILE SYSTEMIC; GRANULOMATOSIS, FAMILIAL, BLAU TYPE; GRANULOMATOUS INFLAMMATORY ARTHRITIS, DERMATITIS, AND UVEITIS, FAMILIAL; JABS SYNDROME. Identifiers: Orphanet 90340, MedGen C5201146, MONDO:0008523, OMIM 186580.
Regional enteritis. Also called: Enteritis, Granulomatous. Identifiers: MedGen C0678202, MeSH D003424.
Autoinflammatory syndrome. Identifiers: Orphanet 93665, MedGen C3890737, MONDO:0019751.

Allele frequency attached by ClinVar (database versions not stated): TOPMed 0.00002; gnomAD 0.00003; ExAC 0.00004; gnomAD exomes 0.00005 and 0.00006.
gnomAD v4.1: 87 of 1,614,034 alleles (0.0054%); highest among the groups gnomAD compares: Admixed American, 0.017%; no homozygotes.

Submissions (3):

PreventionGenetics, part of Exact Sciences
Classification: Uncertain significance for NOD2-related condition. Last evaluated: 2026-03-06. Review status: criteria provided, single submitter. Criteria: ACMG Guidelines, 2015. Collection method: clinical testing. Allele origin: germline.
Comment: The NOD2 c.2653G>C variant is predicted to result in the amino acid substitution p.Ala885Pro. This variant has been reported along with another NOD2 variant in a cohort study of individuals with NOD2-associated autoinflammatory disease (Yao et al. 2015. PubMed ID: 26070941). This variant has also been reported, along with likely causative variants in LIG4 and polymorphic variants in ATM and NLRP3, in a developmentally normal individual with massive brain Epstein-Barr virus-positive diffuse large B-cell lymphoma (Sharapova et al. 2016. PubMed ID: 26774591). This variant is reported in 0.020% of alleles in individuals of Latino descent in gnomAD, which may be too common to be causative. Although we suspect that this variant may be benign, at this time, the clinical significance of this variant is uncertain due to the absence of conclusive functional and genetic evidence.

Labcorp Genetics (formerly Invitae), Labcorp
Classification: Uncertain significance for Regional enteritis; Blau syndrome. Last evaluated: 2026-02-01. Review status: criteria provided, single submitter. Criteria: Invitae Variant Classification Sherloc (09022015). Collection method: clinical testing. Allele origin: germline.
Comment: This sequence change replaces alanine, which is neutral and non-polar, with proline, which is neutral and non-polar, at codon 885 of the NOD2 protein (p.Ala885Pro). This variant is present in population databases (rs759456303, gnomAD 0.02%). This missense change has been observed in individual(s) with autoinflammatory disease and/or lymphoma (PMID: 26070941, 26774591). ClinVar contains an entry for this variant (Variation ID: 1694110). Invitae Evidence Modeling of protein sequence and biophysical properties (such as structural, functional, and spatial information, amino acid conservation, physicochemical variation, residue mobility, and thermodynamic stability) has been performed for this missense variant. However, the output from this modeling did not meet the statistical confidence thresholds required to predict the impact of this variant on NOD2 protein function. In summary, the available evidence is currently insufficient to determine the role of this variant in disease. Therefore, it has been classified as a Variant of Uncertain Significance.

Genome Diagnostics Laboratory, The Hospital for Sick Children
Classification: Likely benign for Autoinflammatory syndrome. Last evaluated: 2021-10-08. Review status: criteria provided, single submitter. Criteria: ACMG Guidelines, 2015. Collection method: clinical testing. Allele origin: germline. Affected: yes.

Literature cited by the submitters: PubMed 26070941 (cited by Labcorp Genetics (formerly Invitae), Labcorp); PubMed 26774591 (cited by Labcorp Genetics (formerly Invitae), Labcorp).